The following is an entry in ClinVar:

ClinVar aggregate classification (germline): Uncertain significance (1 of 4 stars; one submission).

gnomAD v4.1: 3 of 1,603,908 alleles (0.00019%); highest among the groups gnomAD compares: Admixed American, 0.0034%; no homozygotes.

Submission:

Labcorp Genetics (formerly Invitae), Labcorp
Classification: Uncertain significance. Last evaluated: 2024-12-05. Review status: criteria provided, single submitter. Criteria: Invitae Variant Classification Sherloc (09022015). Collection method: clinical testing. Allele origin: germline.
Comment: This sequence change replaces alanine, which is neutral and non-polar, with threonine, which is neutral and polar, at codon 1128 of the ROBO1 protein (p.Ala1128Thr). This variant is present in population databases (no rsID available, gnomAD 0.006%). This variant has not been reported in the literature in individuals affected with ROBO1-related conditions. Invitae Evidence Modeling of protein sequence and biophysical properties (such as structural, functional, and spatial information, amino acid conservation, physicochemical variation, residue mobility, and thermodynamic stability) indicates that this missense variant is not expected to disrupt ROBO1 protein function with a negative predictive value of 95%. In summary, the available evidence is currently insufficient to determine the role of this variant in disease. Therefore, it has been classified as a Variant of Uncertain Significance.

NM_002941.4(ROBO1):c.3382G>A (p.Ala1128Thr)

Gene: ROBO1 (roundabout guidance receptor 1; minus strand). Cytogenetic location: 3p12.3.
Variant type: single nucleotide variant.
Coding change: c.3382G>A on transcript NM_002941.4 (MANE Select); coding-DNA position 3382, G replaced by A.
Protein change: p.Ala1128Thr; replaces alanine 1128 with threonine.
Molecular consequence: missense variant.
Genome position (GRCh38, 1-based): chr3:78,634,034, C>T on the plus strand (G>A on the coding strand, the complement: ROBO1 is on the minus strand). VCF-style: chr3-78634034-C-T. GRCh37 (hg19) VCF-style: chr3-78683184-C-T.
Other names: c.3082G>A, p.Ala1028Thr (NM_001145845.2); c.3247G>A, p.Ala1083Thr (NM_133631.4); short protein forms A1128T, A1083T, A1028T.
Identifiers: ClinVar variation 3684705 (VCV003684705.2).